The following is an entry in ClinVar:

ClinVar aggregate classification (germline): Benign. Review status: criteria provided, multiple submitters, no conflicts (2 of 4 stars). 2 submissions from 2 submitters: Benign (2). Last evaluated 2019-08-22.

Allele frequency attached by ClinVar (database versions not stated): gnomAD exomes 0.98395 and 0.99043; ESP Exome Variant Server 0.98762; gnomAD 0.98922 and 0.98958; ExAC 0.99047; TOPMed 0.99052; 1000 Genomes Project 30x 0.99532; 1000 Genomes Project 0.99621.
gnomAD v4.1: 1,588,176 of 1,612,964 alleles (98%); highest among the groups gnomAD compares: East Asian, 100%; 781,947 homozygotes.

Submissions (2):

GeneDx
Classification: Benign. Last evaluated: 2019-08-22. Review status: criteria provided, single submitter. Criteria: GeneDx Variant Classification Process June 2021. Collection method: clinical testing. Allele origin: germline. Affected: yes.
Comment: This variant is associated with the following publications: (PMID: 30281099)

Breakthrough Genomics
Classification: Benign. Review status: criteria provided, single submitter. Criteria: ACMG Guidelines, 2015. Collection method: not provided. Allele origin: germline. Inheritance: Unknown mechanism. Affected: yes.

NM_019063.5(EML4):c.847A>G (p.Lys283Glu)

Gene: EML4 (EMAP like 4; plus strand). Cytogenetic location: 2p21.
Variant type: single nucleotide variant.
Coding change: c.847A>G on transcript NM_019063.5 (MANE Select); coding-DNA position 847, A replaced by G.
Protein change: p.Lys283Glu; replaces lysine 283 with glutamic acid.
Molecular consequence: missense variant.
Genome position (GRCh38, 1-based): chr2:42,282,878, A>G. VCF-style: chr2-42282878-A-G. GRCh37 (hg19) VCF-style: chr2-42510018-A-G.
Other names: c.673A>G, p.Lys225Glu (NM_001145076.3); short protein forms K225E, K283E.
Identifiers: ClinVar variation 1227684 (VCV001227684.4), dbSNP rs6736913, ClinGen allele CA1628657.
Genomic context (GRCh38, chr2:42,282,878, plus strand): 5'-TTAAGATATGGTTATCGAGGAAAGGACTGTAGAGCTAATGTTTACCTTCTTCCGACCGGG[A>G]AAATAGTTTATTTCATTGCATCAGTAGTAGTACTATTTAATTATGAGGAGAGAACTCAGC-3'
Protein context (NP_061936.3, residues 273-293): RANVYLLPTG[Lys283Glu]IVYFIASVVV